The following is an entry in ClinVar:

NM_014956.5(CEP164):c.584C>G (p.Thr195Arg)

Gene: CEP164 (centrosomal protein 164; plus strand). Cytogenetic location: 11q23.3.
Variant type: single nucleotide variant.
Coding change: c.584C>G on transcript NM_014956.5 (MANE Select); coding-DNA position 584, C replaced by G.
Protein change: p.Thr195Arg; replaces threonine 195 with arginine.
Molecular consequence: missense variant.
Genome position (GRCh38, 1-based): chr11:117,362,435, C>G. VCF-style: chr11-117362435-C-G. GRCh37 (hg19) VCF-style: chr11-117233151-C-G.
Other names: c.584C>G, p.Thr195Arg (NM_001271933.2); c.584C>G (NM_014956.4); short protein forms T195R.
Identifiers: ClinVar variation 2891390 (VCV002891390.2), dbSNP rs1338805138, ClinGen allele CA382731742.
Genomic context (GRCh38, chr11:117,362,435, plus strand): 5'-TCCTTTGACTGTCCTTCTCTATTTTGAAGCCTTCACAGGGTCTCAAGACCTCTGCTTATA[C>G]AAAGGGTCTCTTGGGCTCCATATATGAGGACAAGACTGCTCTCAGCCTCTTGGGTTTAGG-3'
Protein context (NP_055771.4, residues 185-205): PSQGLKTSAY[Thr195Arg]KGLLGSIYED

ClinVar aggregate classification (germline): Uncertain significance. Review status: criteria provided, multiple submitters, no conflicts (2 of 4 stars). 2 submissions from 2 submitters: Uncertain significance (2). Last evaluated 2025-08-21.

Conditions:
Inborn genetic diseases. Identifiers: MedGen C0950123, MeSH D030342.
Nephronophthisis 15 (NPHP15). Identifiers: Orphanet 3156, MedGen C3541853, MONDO:0013917, OMIM 614845.

Allele frequency attached by ClinVar (database versions not stated): gnomAD exomes below 0.00001; gnomAD 0.00001.
gnomAD v4.1: 2 of 1,613,546 alleles (0.00012%); highest among the groups gnomAD compares: Admixed American, 0.0033%; no homozygotes.

Submissions (2):

Ambry Genetics
Classification: Uncertain significance for Inborn genetic diseases. Last evaluated: 2025-08-21. Review status: criteria provided, single submitter. Criteria: Ambry Variant Classification Scheme 2023. Collection method: clinical testing. Allele origin: germline.

Labcorp Genetics (formerly Invitae), Labcorp
Classification: Uncertain significance for Nephronophthisis 15. Last evaluated: 2023-04-29. Review status: criteria provided, single submitter. Criteria: Invitae Variant Classification Sherloc (09022015). Collection method: clinical testing. Allele origin: germline.
Comment: This variant has not been reported in the literature in individuals affected with CEP164-related conditions. In summary, the available evidence is currently insufficient to determine the role of this variant in disease. Therefore, it has been classified as a Variant of Uncertain Significance. An algorithm developed to predict the effect of missense changes on protein structure and function (PolyPhen-2) suggests that this variant¬† is likely to be tolerated. This variant is not present in population databases (gnomAD no frequency). This sequence change replaces threonine, which is neutral and polar, with arginine, which is basic and polar, at codon 195 of the CEP164 protein (p.Thr195Arg).